The following is an entry in ClinVar:

ClinVar aggregate classification (germline): Pathogenic. Review status: criteria provided, multiple submitters, no conflicts (2 of 4 stars). 12 submissions from 11 submitters: Pathogenic (9). 3 of the submissions do not count toward it. Last evaluated 2025-09-10.

Conditions:
Retinal dystrophy. Also called: Inherited retinal dystrophy. Identifiers: Orphanet 71862, MedGen C0854723, MeSH D058499, MONDO:0019118, HP:0000556.
Retinitis pigmentosa 39 (RP39). Identifiers: Orphanet 791, MedGen C3151138, MONDO:0013436, OMIM 613809.
Usher syndrome type 2A. Also called: RETINAL DISEASE IN USHER SYNDROME TYPE IIA, MODIFIER OF; USHER SYNDROME, TYPE IIA. Identifiers: Orphanet 231178, Orphanet 886, MedGen C1848634, MONDO:0010169, OMIM 276901.

Allele frequency attached by ClinVar (database versions not stated): gnomAD exomes 0.00002.
gnomAD v4.1: 22 of 1,601,288 alleles (0.0014%); highest among the groups gnomAD compares: Non-Finnish European, 0.0019%; no homozygotes.

Submissions (12):

Labcorp Genetics (formerly Invitae), Labcorp
Classification: Pathogenic. Last evaluated: 2025-09-10. Review status: criteria provided, single submitter. Criteria: Invitae Variant Classification Sherloc (09022015). Collection method: clinical testing. Allele origin: germline.
Comment: This sequence change affects an acceptor splice site in intron 59 of the USH2A gene. It is expected to disrupt RNA splicing. Variants that disrupt the donor or acceptor splice site typically lead to a loss of protein function (PMID: 16199547), and loss-of-function variants in USH2A are known to be pathogenic (PMID: 10729113, 10909849, 20507924, 25649381). This variant is not present in population databases (gnomAD no frequency). Disruption of this splice site has been observed in individuals with Usher syndrome (PMID: 25649381, 28944237). ClinVar contains an entry for this variant (Variation ID: 236536). Algorithms developed to predict the effect of sequence changes on RNA splicing suggest that this variant may disrupt the consensus splice site. For these reasons, this variant has been classified as Pathogenic.

Fulgent Genetics
Classification: Pathogenic for Usher syndrome type 2A; Retinitis pigmentosa 39. Last evaluated: 2024-06-05. Review status: criteria provided, single submitter. Criteria: ACMG Guidelines, 2015. Collection method: clinical testing. Allele origin: germline.

Baylor Genetics
Classification: Pathogenic for Retinitis pigmentosa 39. Last evaluated: 2024-03-20. Review status: criteria provided, single submitter. Criteria: ACMG Guidelines, 2015. Collection method: clinical testing. Allele origin: unknown.

Natera, Inc.
Classification: Pathogenic for Usher syndrome type 2A. Last evaluated: 2024-03-04. Review status: criteria provided, single submitter. Criteria: Natera Variant Classification Schema (03/2026). Collection method: clinical testing. Allele origin: germline.
Comment: The c.11549-1G>A variant in USH2A is a canonical splice acceptor site variant predicted to affect pre-mRNA splicing, which may result in an abnormal transcript and altered protein product. This variant is expected to result in nonsense mediated decay, truncation, or a dysfunctional protein product. This variant is rare in the general population with a frequency below the threshold expected for the associated phenotype(s). This variant has been observed in one or more individuals affected with the associated recessive disease, as either homozygous or compound heterozygous with a second variant (PMID: 28944237). Given the available evidence, this variant is classified as Pathogenic.

Genome-Nilou Lab
Classification: Pathogenic for Retinitis pigmentosa 39. Last evaluated: 2023-04-11. Review status: criteria provided, single submitter. Criteria: ACMG Guidelines, 2015. Collection method: clinical testing. Allele origin: germline. Affected: no.

Genome-Nilou Lab
Classification: Pathogenic for Usher syndrome type 2A. Last evaluated: 2023-04-11. Review status: criteria provided, single submitter. Criteria: ACMG Guidelines, 2015. Collection method: clinical testing. Allele origin: germline. Affected: no.

Institute of Medical Genetics and Applied Genomics, University Hospital Tübingen
Classification: Pathogenic for Usher syndrome type 2A. Last evaluated: 2023-03-22. Review status: criteria provided, single submitter. Criteria: ACMG Guidelines, 2015. Collection method: clinical testing. Allele origin: germline. Inheritance: Autosomal recessive inheritance. Affected: yes.

Centre for Mendelian Genomics, University Medical Centre Ljubljana
Classification: Pathogenic for Usher syndrome type 2A. Last evaluated: 2020-03-21. Review status: criteria provided, single submitter. Criteria: ACMG Guidelines, 2015. Collection method: clinical testing. Allele origin: unknown. Affected: yes.
Comment: This variant was classified as: Pathogenic. The following ACMG criteria were applied in classifying this variant: PVS1,PM2,PS4_MOD. This variant was detected in homozygous state.

Institute of Human Genetics, Univ. Regensburg, Univ. Regensburg
Classification: Pathogenic for Retinal dystrophy. Last evaluated: 2017-01-01. Review status: criteria provided, single submitter. Criteria: ACMG Guidelines, 2015. Collection method: clinical testing. Allele origin: germline. Affected: yes.

Clinical Genetics Laboratory, University Hospital Schleswig-Holstein
Classification: Pathogenic for Usher syndrome type 2A. Last evaluated: 2024-03-05. Review status: no assertion criteria provided. Collection method: clinical testing. Allele origin: germline. Affected: yes. Not counted in ClinVar's aggregate classification.

Counsyl
Classification: Pathogenic for Usher syndrome type 2A; Retinitis pigmentosa 39. Last evaluated: 2018-04-16. Review status: no assertion criteria provided. Collection method: clinical testing. Allele origin: unknown. Not counted in ClinVar's aggregate classification.

Centre for Genomic Medicine, Manchester, Central Manchester University Hospitals
Classification: Uncertain significance for Retinal dystrophy. Review status: flagged submission. Collection method: clinical testing. Allele origin: germline. Affected: yes. Not counted in ClinVar's aggregate classification.
ClinVar note: Reason: Older and outlier claim with insufficient supporting evidence

Literature cited by the submitters: PubMed 16199547 (cited by Labcorp Genetics (formerly Invitae), Labcorp); PubMed 10729113 (cited by Labcorp Genetics (formerly Invitae), Labcorp); PubMed 10909849 (cited by Labcorp Genetics (formerly Invitae), Labcorp); PubMed 20507924 (cited by Labcorp Genetics (formerly Invitae), Labcorp); PubMed 25649381 (cited by 3 submitters); PubMed 28944237 (cited by 4 submitters); PubMed 32531858 (cited by Institute of Human Genetics, Univ. Regensburg, Univ. Regensburg); PubMed 33749171 (cited by Institute of Human Genetics, Univ. Regensburg, Univ. Regensburg); PubMed 36785559 (cited by Institute of Human Genetics, Univ. Regensburg, Univ. Regensburg); PubMed 27208204 (cited by Counsyl); PubMed 27460420 (cited by Counsyl).

NM_206933.4(USH2A):c.11549-1G>A

Gene: USH2A (usherin; minus strand). Cytogenetic location: 1q41.
Variant type: single nucleotide variant.
Coding change: c.11549-1G>A on transcript NM_206933.4 (MANE Select); the canonical splice acceptor site of the intron before coding-DNA position 11549, G replaced by A.
Molecular consequence: splice acceptor variant.
Genome position (GRCh38, 1-based): chr1:215,741,538, C>T on the plus strand (G>A on the coding strand, the complement: USH2A is on the minus strand). VCF-style: chr1-215741538-C-T. GRCh37 (hg19) VCF-style: chr1-215914880-C-T.
Identifiers: ClinVar variation 236536 (VCV000236536.24), dbSNP rs878853407, ClinGen allele CA10581637.